The following is an entry in ClinVar:

ClinVar aggregate classification (germline): Conflicting classifications of pathogenicity. Review status: criteria provided, conflicting classifications (1 of 4 stars). 5 submissions from 5 submitters: Uncertain significance (4); Likely benign (1). Last evaluated 2026-01-14.

Conditions:
Inborn genetic diseases. Identifiers: MedGen C0950123, MeSH D030342.
Loeys-Dietz syndrome 2 (LDS2). Also called: TGFBR2-Related Loeys-Dietz Syndrome; Marfan Syndrome type 2; Marfan like connective tissue disorder; MFS 2; AORTIC ANEURYSM, FAMILIAL THORACIC 3; MARFAN SYNDROME, TYPE II. Identifiers: Orphanet 284973, Orphanet 558, MedGen C2674574, MONDO:0012427, OMIM 610168.

Allele frequency attached by ClinVar (database versions not stated): gnomAD exomes 0.00005 and 0.00015; ExAC 0.00020; ESP Exome Variant Server 0.00038; 1000 Genomes Project 30x 0.00047; TOPMed 0.00050; gnomAD 0.00055 and 0.00058; 1000 Genomes Project 0.00060.
gnomAD v4.1: 155 of 1,613,940 alleles (0.0096%); highest among the groups gnomAD compares: African/African-American, 0.16%; no homozygotes.

Submissions (5):

Labcorp Genetics (formerly Invitae), Labcorp
Classification: Uncertain significance for Loeys-Dietz syndrome 2. Last evaluated: 2026-01-14. Review status: criteria provided, single submitter. Criteria: Invitae Variant Classification Sherloc (09022015). Collection method: clinical testing. Allele origin: germline.
Comment: This sequence change replaces arginine, which is basic and polar, with histidine, which is basic and polar, at codon 650 of the TMPO protein (p.Arg650His). This variant is present in population databases (rs138295270, gnomAD 0.2%), and has an allele count higher than expected for a pathogenic variant. This variant has not been reported in the literature in individuals affected with TMPO-related conditions. ClinVar contains an entry for this variant (Variation ID: 44669). Invitae Evidence Modeling of protein sequence and biophysical properties (such as structural, functional, and spatial information, amino acid conservation, physicochemical variation, residue mobility, and thermodynamic stability) has been performed for this missense variant. However, the output from this modeling did not meet the statistical confidence thresholds required to predict the impact of this variant on TMPO protein function. In summary, the available evidence is currently insufficient to determine the role of this variant in disease. Therefore, it has been classified as a Variant of Uncertain Significance.

GeneDx
Classification: Likely benign. Last evaluated: 2020-11-20. Review status: criteria provided, single submitter. Criteria: GeneDx Variant Classification Process June 2021. Collection method: clinical testing. Allele origin: germline. Affected: yes.

Revvity Omics, Revvity
Classification: Uncertain significance. Last evaluated: 2020-09-23. Review status: criteria provided, single submitter. Criteria: ACMG Guidelines, 2015. Collection method: clinical testing. Allele origin: germline.

Ambry Genetics
Classification: Uncertain significance for Inborn genetic diseases. Last evaluated: 2015-07-15. Review status: criteria provided, single submitter. Criteria: Ambry General Variant Classification Scheme_2022. Collection method: clinical testing. Allele origin: germline. Observed: 1 variant allele.
Comment: The p.R650H variant (also known as c.1949G>A), located in coding exon 4 of the TMPO gene, results from a G to A substitution at nucleotide position 1949. The arginine at codon 650 is replaced by histidine, an amino acid with highly similar properties. This variant was previously reported in the SNPDatabase as rs138295270. Based on data from the 1000 Genomes Project, the A allele has an overall frequency of approximately 0.14% (3/2098) total alleles studied. The highest observed frequency was 1.22% (2/164) Luhya alleles. Based on data from the NHLBI Exome Sequencing Project (ESP), the A allele has an overall frequency of approximately 0.04% (5/13006) total alleles studied, having been observed in 0.11% (5/4406) African American alleles. This amino acid position is highly conserved in available vertebrate species. In addition, this alteration is predicted to be tolerated by in silico analysis. Since supporting evidence is limited at this time, the clinical significance of this variant remains unclear.

Laboratory for Molecular Medicine, Mass General Brigham Personalized Medicine
Classification: Uncertain significance. Last evaluated: 2013-07-29. Review status: criteria provided, single submitter. Criteria: LMM Criteria. Collection method: clinical testing. Allele origin: germline. Observed: 2 variant alleles.
Comment: Variant classified as Uncertain Significance - Favor Benign. This variant has also b een identified in 0.1% (5/4406) of African American chromosomes by the NHLBI Exo me Sequencing Project and 0.6% (3/490) of Black chromosomes by the 1000 Genomes project (dbSNP rs138295270). Computational an alyses (biochemical amino acid properties, conservation, AlignGVGD, PolyPhen2, a nd SIFT) do not provide strong support for or against an impact to the protein. While this frequency suggests that this variant is more likely benign, it is too low to confidently rule out a disease-causing role. Additional information is n eeded to fully assess its clinical significance.

NM_001032283.3(TMPO):c.565+2368G>A

Gene: TMPO (thymopoietin; plus strand). Cytogenetic location: 12q23.1.
Variant type: single nucleotide variant.
Coding change: c.565+2368G>A on transcript NM_001032283.3 (MANE Select); 2368 bases into the intron after coding-DNA position 565, G replaced by A.
Molecular consequence: intron variant. On other transcripts: missense variant (1).
Genome position (GRCh38, 1-based): chr12:98,534,206, G>A. VCF-style: chr12-98534206-G-A. GRCh37 (hg19) VCF-style: chr12-98927984-G-A.
Other names: p.R650H:CGT>CAT; c.1949G>A, p.Arg650His (NM_003276.2); c.565+2368G>A (NM_001307975.2, NM_001032284.3); short protein forms R650H.
Identifiers: ClinVar variation 44669 (VCV000044669.17), dbSNP rs138295270, ClinGen allele CA134814.
Genomic context (GRCh38, chr12:98,534,206, plus strand): 5'-AAGCTGCATTTGATGAAGTGAAGATGGCTGCCCATACCATGGGAAATGCCACTGTAGGTC[G>A]TCGATACCTCTGGCTGAAGGATTGCAAAATTAATTTAGCTTCTAAGAATAAGCTGGCTTC-3'